The following is an entry in ClinVar:

ClinVar aggregate classification (germline): Pathogenic (1 of 4 stars; one submission).

Submission:

Labcorp Genetics (formerly Invitae), Labcorp
Classification: Pathogenic. Last evaluated: 2023-05-31. Review status: criteria provided, single submitter. Criteria: Invitae Variant Classification Sherloc (09022015). Collection method: clinical testing. Allele origin: germline.
Comment: For these reasons, this variant has been classified as Pathogenic. This variant disrupts a region of the EYS protein in which other variant(s) (p.Tyr3135*) have been determined to be pathogenic (PMID: 18976725, 29159838, 30337596, 31074760). This suggests that this is a clinically significant region of the protein, and that variants that disrupt it are likely to be disease-causing. This variant has not been reported in the literature in individuals affected with EYS-related conditions. This variant is not present in population databases (gnomAD no frequency). This sequence change creates a premature translational stop signal (p.Leu2797Trpfs*3) in the EYS gene. While this is not anticipated to result in nonsense mediated decay, it is expected to disrupt the last 348 amino acid(s) of the EYS protein.

Literature cited by the submitters: PubMed 18976725; PubMed 29159838; PubMed 30337596; PubMed 31074760.

NM_001142800.2(EYS):c.8389del (p.Leu2797fs)

Genes: EYS (EGF-like photoreceptor maintenance factor; minus strand), PHF3 (PHD finger protein 3; plus strand). Cytogenetic location: 6q12.
Variant type: Deletion.
Coding change: c.8389del on transcript NM_001142800.2 (MANE Select); coding-DNA position 8389, one base deleted (C; older notation c.8389delC).
Protein change: p.Leu2797fs; shifts the reading frame from leucine 2797.
Molecular consequence: frameshift variant. On other transcripts: 3 prime UTR variant (5).
Genome position (GRCh38, 1-based): chr6:63,721,642, G deleted on the plus strand (C on the coding strand, the reverse complement: EYS is on the minus strand); the first of 2 consecutive G bases (chr6:63,721,642-63,721,643); deleting either gives the same sequence. VCF-style (leftmost placement, unchanged base first): chr6-63721641-AG-A. GRCh37 (hg19) VCF-style: chr6-64431537-AG-A.
Other names: c.*7935del (NM_001290259.2, NM_001370348.2, NM_001370349.2 and 2 more transcripts); c.8452del, p.Leu2818fs (NM_001292009.2); short protein forms L2797fs, L2818fs.
Identifiers: ClinVar variation 2864852 (VCV002864852.3), dbSNP rs2533392661, ClinGen allele CA2739273154.